The following is an entry in ClinVar:

ClinVar aggregate classification (germline): Pathogenic (1 of 4 stars; one submission).

Submission:

Labcorp Genetics (formerly Invitae), Labcorp
Classification: Pathogenic. Last evaluated: 2022-09-22. Review status: criteria provided, single submitter. Criteria: Invitae Variant Classification Sherloc (09022015). Collection method: clinical testing. Allele origin: germline.
Comment: This sequence change creates a premature translational stop signal (p.Val81Glyfs*33) in the SETBP1 gene. It is expected to result in an absent or disrupted protein product. Loss-of-function variants in SETBP1 are known to be pathogenic (PMID: 21037274, 25217958). This variant is not present in population databases (gnomAD no frequency). This variant has not been reported in the literature in individuals affected with SETBP1-related conditions. For these reasons, this variant has been classified as Pathogenic.

Literature cited by the submitters: PubMed 21037274; PubMed 25217958.

NM_015559.3(SETBP1):c.242_243del (p.Val81fs)

Gene: SETBP1 (SET binding protein 1; plus strand). Cytogenetic location: 18q12.3.
Variant type: Deletion.
Coding change: c.242_243del on transcript NM_015559.3 (MANE Select); coding-DNA positions 242 to 243, 2 bases deleted (TG; older notation c.242_243delTG).
Protein change: p.Val81fs; shifts the reading frame from valine 81.
Molecular consequence: frameshift variant.
Genome position (GRCh38, 1-based): chr18:44,701,588-44,701,589, TG deleted; deleting any 2 consecutive bases within chr18:44,701,587-44,701,589 gives the same sequence; the c. name uses the placement nearest the transcript's 3' end. VCF-style (leftmost placement, unchanged base first): chr18-44701586-GGT-G. GRCh37 (hg19) VCF-style: chr18-42281551-GGT-G.
Other names: c.242_243del, p.Val81fs (NM_001130110.2, NM_001379141.1, NM_001379142.1); c.242_243delTG, p.Val81Glyfs (NM_001410862.1); short protein forms V81fs.
Identifiers: ClinVar variation 2031944 (VCV002031944.4), dbSNP rs2511333129, ClinGen allele CA2580095693.